The following is an entry in ClinVar:

ClinVar aggregate classification (germline): Uncertain significance (1 of 4 stars; one submission).

Conditions:
Hereditary cancer-predisposing syndrome. Also called: Neoplastic Syndromes, Hereditary; Tumor predisposition; Hereditary Cancer Syndrome; Hereditary neoplastic syndrome. Identifiers: Orphanet 140162, MedGen C0027672, MeSH D009386, MONDO:0015356.

Submission:

Ambry Genetics
Classification: Uncertain significance for Hereditary cancer-predisposing syndrome. Last evaluated: 2022-07-01. Review status: criteria provided, single submitter. Criteria: Ambry Variant Classification Scheme 2023. Collection method: clinical testing. Allele origin: germline.
Comment: The p.E2582D variant (also known as c.7746A>T), located in coding exon 15 of the APC gene, results from an A to T substitution at nucleotide position 7746. The glutamic acid at codon 2582 is replaced by aspartic acid, an amino acid with highly similar properties. This amino acid position is conserved. In addition, in silico predictors for this gene do not accurately predict pathogenicity. Since supporting evidence is limited at this time, the clinical significance of this alteration remains unclear.

NM_000038.6(APC):c.7746A>T (p.Glu2582Asp)

Gene: APC (APC regulator of Wnt signaling pathway; plus strand). Cytogenetic location: 5q22.2.
Variant type: single nucleotide variant.
Coding change: c.7746A>T on transcript NM_000038.6 (MANE Select); coding-DNA position 7746, A replaced by T.
Protein change: p.Glu2582Asp; replaces glutamic acid 2582 with aspartic acid.
Molecular consequence: missense variant.
Genome position (GRCh38, 1-based): chr5:112,843,340, A>T. VCF-style: chr5-112843340-A-T. GRCh37 (hg19) VCF-style: chr5-112179037-A-T.
Other names: c.7746A>T, p.Glu2582Asp (NM_001127510.3, NM_001354895.2, NM_001407450.1); c.7692A>T, p.Glu2564Asp (NM_001127511.3); c.7800A>T, p.Glu2600Asp (NM_001354896.2, NM_001407447.1, NM_001407448.1 and 1 more transcripts); c.7776A>T, p.Glu2592Asp (NM_001354897.2); c.7671A>T, p.Glu2557Asp (NM_001354898.2); c.7662A>T, p.Glu2554Asp (NM_001354899.2); c.7623A>T, p.Glu2541Asp (NM_001354900.2); c.7569A>T, p.Glu2523Asp (NM_001354901.2, NM_001407453.1); and 11 more; short protein forms E2198D, E2299D, E2541D, E2557D, E2481D, E2572D, E2610D, E2422D.
Identifiers: ClinVar variation 1760417 (VCV001760417.2), dbSNP rs2149993071, ClinGen allele CA16038155.